The following is an entry in ClinVar:

ClinVar aggregate classification (germline): Benign/Likely benign. Review status: criteria provided, multiple submitters, no conflicts (2 of 4 stars). 4 submissions from 4 submitters: Benign (1); Likely benign (3). Last evaluated 2026-01-04.

Conditions:
Hereditary cancer-predisposing syndrome. Also called: Tumor predisposition; Hereditary neoplastic syndrome; Hereditary Cancer Syndrome; Neoplastic Syndromes, Hereditary. Identifiers: Orphanet 140162, MedGen C0027672, MeSH D009386, MONDO:0015356.
Tuberous sclerosis 2 (TSC2). Identifiers: Orphanet 805, MedGen C1860707, MONDO:0013199, OMIM 613254.
Tuberous sclerosis syndrome (TSC). Also called: Tuberous Sclerosis Complex; Tuberous sclerosis. Identifiers: Orphanet 805, MedGen C0041341, MONDO:0001734.

Allele frequency attached by ClinVar (database versions not stated): gnomAD 0.00001; TOPMed 0.00001.
gnomAD v4.1: 2 of 1,612,720 alleles (0.00012%); highest among the groups gnomAD compares: Non-Finnish European, 0.00017%; no homozygotes.

Submissions (4):

Labcorp Genetics (formerly Invitae), Labcorp
Classification: Likely benign for Tuberous sclerosis 2. Last evaluated: 2026-01-04. Review status: criteria provided, single submitter. Criteria: Invitae Variant Classification Sherloc (09022015). Collection method: clinical testing. Allele origin: germline.

Myriad Genetics, Inc.
Classification: Benign for Tuberous sclerosis 2. Last evaluated: 2025-06-04. Review status: criteria provided, single submitter. Criteria: Myriad Autosomal Dominant, Autosomal Recessive and X-Linked Classification Criteria (2023). Collection method: clinical testing. Allele origin: unknown.
Comment: This variant is considered benign. This variant is a silent/synonymous amino acid change and it is not expected to impact splicing.

All of Us Research Program, National Institutes of Health
Classification: Likely benign for Tuberous sclerosis syndrome. Last evaluated: 2023-07-10. Review status: criteria provided, single submitter. Criteria: ACMG Guidelines, 2015. Collection method: clinical testing. Allele origin: germline. Inheritance: Autosomal dominant inheritance. Observed: 1 variant allele, 1 heterozygote.
Comment: This study involves interpretation of variants in research participants for the purpose of population health screening. Participant phenotype was not available at the time of variant classification. Additional details can be found in publication PMID: 35346344, PMCID: PMC8962531

Ambry Genetics
Classification: Likely benign for Hereditary cancer-predisposing syndrome. Last evaluated: 2022-06-17. Review status: criteria provided, single submitter. Criteria: Ambry Variant Classification Scheme 2023. Collection method: clinical testing. Allele origin: germline.

NM_000548.5(TSC2):c.4732C>T (p.Leu1578=)

Gene: TSC2 (TSC complex subunit 2; plus strand). Cytogenetic location: 16p13.3.
Variant type: single nucleotide variant.
Coding change: c.4732C>T on transcript NM_000548.5 (MANE Select); coding-DNA position 4732, C replaced by T.
Protein change: p.Leu1578=; no amino-acid change (leucine 1578 retained).
Molecular consequence: synonymous variant.
Genome position (GRCh38, 1-based): chr16:2,086,262, C>T. VCF-style: chr16-2086262-C-T. GRCh37 (hg19) VCF-style: chr16-2136263-C-T.
Other names: c.4531C>T, p.Leu1511= (NM_001077183.3); c.4663C>T, p.Leu1555= (NM_001114382.3); c.4423C>T, p.Leu1475= (NM_001318827.2); c.4387C>T, p.Leu1463= (NM_001318829.2); c.4000C>T, p.Leu1334= (NM_001318831.2); c.4564C>T, p.Leu1522= (NM_001318832.2); c.4534C>T, p.Leu1512= (NM_001363528.2); c.4600C>T, p.Leu1534= (NM_001370404.1); and 1 more.
Identifiers: ClinVar variation 697555 (VCV000697555.15), dbSNP rs917807471, ClinGen allele CA276756361.
Genomic context (GRCh38, chr16:2,086,262, plus strand): 5'-GAGCTCGCCATCCTGTCCAATGAGCATGGCTCCTACAGGTACACGGAGTTCCTGACGGGC[C>T]TGGGCCGGCTCATCGAGCTGAAGGACTGCCAGCCGGACAAGGTGTACCTGGGAGGCCTGG-3'
Protein context (NP_000539.2, residues 1568-1588): SYRYTEFLTG[Leu1578=]GRLIELKDCQ